The following is an entry in ClinVar:

ClinVar aggregate classification (germline): Likely benign. Review status: criteria provided, multiple submitters, no conflicts (2 of 4 stars). 2 submissions from 2 submitters: Likely benign (2). Last evaluated 2023-12-18.

Conditions:
Kufor-Rakeb syndrome (KRS). Also called: PARKINSON DISEASE 9, AUTOSOMAL RECESSIVE, JUVENILE-ONSET. Identifiers: Orphanet 306674, Orphanet 314632, MedGen C1847640, MONDO:0011706, OMIM 606693.
Autosomal recessive spastic paraplegia type 78. Identifiers: Orphanet 513436, MedGen C5567893, MONDO:0014975, OMIM 617225.

Allele frequency attached by ClinVar (database versions not stated): gnomAD exomes 0.00001.
gnomAD v4.1: 9 of 1,140,572 alleles (0.00079%); highest among the groups gnomAD compares: Non-Finnish European, 0.00098%; no homozygotes.

Submissions (2):

Labcorp Genetics (formerly Invitae), Labcorp
Classification: Likely benign for Kufor-Rakeb syndrome; Autosomal recessive spastic paraplegia type 78. Last evaluated: 2023-12-18. Review status: criteria provided, single submitter. Criteria: Invitae Variant Classification Sherloc (09022015). Collection method: clinical testing. Allele origin: germline.

CeGaT Center for Human Genetics Tuebingen
Classification: Likely benign. Last evaluated: 2023-12-01. Review status: criteria provided, single submitter. Criteria: CeGaT Center For Human Genetics Tuebingen Variant Classification Criteria Version 2. Collection method: clinical testing. Allele origin: germline. Affected: yes. Observed: 1 variant allele.
Comment: ATP13A2: PM2:Supporting, BP4, BP7

NM_022089.4(ATP13A2):c.900A>C (p.Pro300=)

Gene: ATP13A2 (ATPase cation transporting 13A2; minus strand). Cytogenetic location: 1p36.13.
Variant type: single nucleotide variant.
Coding change: c.900A>C on transcript NM_022089.4 (MANE Select); coding-DNA position 900, A replaced by C.
Protein change: p.Pro300=; no amino-acid change (proline 300 retained).
Molecular consequence: synonymous variant.
Genome position (GRCh38, 1-based): chr1:17,000,253, T>G on the plus strand (A>C on the coding strand, the complement: ATP13A2 is on the minus strand). VCF-style: chr1-17000253-T-G. GRCh37 (hg19) VCF-style: chr1-17326748-T-G.
Other names: c.885A>C, p.Pro295= (NM_001141973.3, NM_001141974.3).
Identifiers: ClinVar variation 2921877 (VCV002921877.25), dbSNP rs2077301388, ClinGen allele CA416094673.